The following is an entry in ClinVar:

NM_002470.4(MYH3):c.5254G>T (p.Ala1752Ser)

Gene: MYH3 (myosin heavy chain 3; minus strand). Cytogenetic location: 17p13.1.
Variant type: single nucleotide variant.
Coding change: c.5254G>T on transcript NM_002470.4 (MANE Select); coding-DNA position 5254, G replaced by T.
Protein change: p.Ala1752Ser; replaces alanine 1752 with serine.
Molecular consequence: missense variant.
Genome position (GRCh38, 1-based): chr17:10,631,643, C>A on the plus strand (G>T on the coding strand, the complement: MYH3 is on the minus strand). VCF-style: chr17-10631643-C-A. GRCh37 (hg19) VCF-style: chr17-10534960-C-A.
Other names: short protein forms A1752S.
Identifiers: ClinVar variation 704293 (VCV000704293.13), dbSNP rs34393601, ClinGen allele CA8392003.

ClinVar aggregate classification (germline): Benign/Likely benign. Review status: criteria provided, multiple submitters, no conflicts (2 of 4 stars). 4 submissions from 4 submitters: Benign (2); Likely benign (1). 1 of the submissions does not count toward it. Last evaluated 2026-01-27.

Allele frequency attached by ClinVar (database versions not stated): 1000 Genomes Project 0.00140; 1000 Genomes Project 30x 0.00156; TOPMed 0.00242.
gnomAD v4.1: 591 of 1,614,122 alleles (0.037%); highest among the groups gnomAD compares: African/African-American, 0.7%; 3 homozygotes.

Submissions (4):

Labcorp Genetics (formerly Invitae), Labcorp
Classification: Benign. Last evaluated: 2026-01-27. Review status: criteria provided, single submitter. Criteria: Invitae Variant Classification Sherloc (09022015). Collection method: clinical testing. Allele origin: germline.

Blueprint Genetics
Classification: Likely benign. Last evaluated: 2024-11-26. Review status: criteria provided, single submitter. Criteria: ACMG Guidelines, 2015. Collection method: clinical testing. Allele origin: germline.

GeneDx
Classification: Benign. Last evaluated: 2020-02-20. Review status: criteria provided, single submitter. Criteria: GeneDx Variant Classification Process June 2021. Collection method: clinical testing. Allele origin: germline. Affected: yes.
Comment: This variant is associated with the following publications: (PMID: 22519952)

Department of Pathology and Laboratory Medicine, Sinai Health System
Classification: Uncertain significance. Review status: no assertion criteria provided. Collection method: clinical testing. Allele origin: unknown. Affected: yes. Study: The Canadian Open Genetics Repository (COGR). Not counted in ClinVar's aggregate classification.
Comment: The MYH3 p.Ala1752Ser variant was not identified in the literature nor was it identified in the ClinVar, Cosmic, or LOVD 3.0 databases. The variant was identified in dbSNP (ID: rs34393601) and in control databases in 186 of 282568 chromosomes (1 homozygous) at a frequency of 0.000658 increasing the likelihood this could be a low frequency benign variant (Genome Aggregation Database Feb 27, 2017). The variant was observed in the following populations: African in 175 of 24958 chromosomes (freq: 0.007012), Other in 3 of 7220 chromosomes (freq: 0.000416), Latino in 4 of 35406 chromosomes (freq: 0.000113) and European (non-Finnish) in 4 of 129022 chromosomes (freq: 0.000031), while the variant was not observed in the Ashkenazi Jewish, East Asian, European (Finnish), and South Asian populations. The p.Ala1752 residue is conserved across mammals and other organisms, and four out of five computational analyses (PolyPhen-2, SIFT, AlignGVGD, MutationTaster) suggest that the variant may impact the protein; however, this information is not predictive enough to assume pathogenicity. The variant occurs outside of the splicing consensus sequence and in silico or computational prediction software programs (SpliceSiteFinder, MaxEntScan, NNSPLICE, GeneSplicer) do not predict a difference in splicing. In summary, based on the above information the clinical significance of this variant cannot be determined with certainty at this time. This variant is classified as a variant of uncertain significance.